The following is an entry in ClinVar:

ClinVar aggregate classification (germline): Pathogenic/Likely pathogenic. Review status: criteria provided, multiple submitters, no conflicts (2 of 4 stars). 3 submissions from 3 submitters: Pathogenic (2); Likely pathogenic (1). Last evaluated 2024-01-05.

Conditions:
Hereditary cancer-predisposing syndrome. Also called: Hereditary neoplastic syndrome; Tumor predisposition; Neoplastic Syndromes, Hereditary; Hereditary Cancer Syndrome. Identifiers: Orphanet 140162, MedGen C0027672, MeSH D009386, MONDO:0015356.
Multiple endocrine neoplasia, type 1 (MEN1). Also called: MEN I; Endocrine adenomatosis multiple; MEN 1; WERMER SYNDROME; MEA I. Identifiers: Orphanet 652, MedGen C0025267, MeSH D018761, MONDO:0007540, OMIM 131100.

Submissions (3):

Department of Pathology and Laboratory Medicine, Sinai Health System
Classification: Likely pathogenic for Multiple endocrine neoplasia, type 1. Last evaluated: 2024-01-05. Review status: criteria provided, single submitter. Criteria: ACMG Guidelines, 2015. Collection method: clinical testing. Allele origin: germline. Affected: yes.

Labcorp Genetics (formerly Invitae), Labcorp
Classification: Pathogenic for Multiple endocrine neoplasia, type 1. Last evaluated: 2021-05-15. Review status: criteria provided, single submitter. Criteria: Invitae Variant Classification Sherloc (09022015). Collection method: clinical testing. Allele origin: germline.
Comment: This variant has been observed in individual(s) with a personal and/or family history of MEN1-related conditions (PMID: 10664520, 17623761, 29239255). It has also been observed to segregate with disease in related individuals (PMID: 12746426, 12166655). ClinVar contains an entry for this variant (Variation ID: 428029). For these reasons, this variant has been classified as Pathogenic. Advanced modeling of protein sequence and biophysical properties (such as structural, functional, and spatial information, amino acid conservation, physicochemical variation, residue mobility, and thermodynamic stability) performed at Invitae indicates that this missense variant is expected to disrupt MEN1 protein function. This variant is not present in population databases (ExAC no frequency). This sequence change replaces glutamic acid with lysine at codon 45 of the MEN1 protein (p.Glu45Lys). The glutamic acid residue is highly conserved and there is a small physicochemical difference between glutamic acid and lysine.

Ambry Genetics
Classification: Pathogenic for Hereditary cancer-predisposing syndrome. Last evaluated: 2020-06-11. Review status: criteria provided, single submitter. Criteria: Ambry Variant Classification Scheme 2023. Collection method: clinical testing. Allele origin: germline.
Comment: The p.E45K pathogenic mutation (also known as c.133G>A), located in coding exon 1 of the MEN1 gene, results from a G to A substitution at nucleotide position 133. The glutamic acid at codon 45 is replaced by lysine, an amino acid with similar properties. This mutation has been reported in multiple patients with MEN1 (Morelli A et al. Eur. J. Endocrinol., 2000 Feb;142:131-7; Arancha C et al. J. Hum. Genet., 2002;47:190-5; Tham E et al. J. Clin. Endocrinol. Metab., 2007 Sep;92:3389-95). It has also been observed to segregate with disease in three affected individuals from a Spanish MEN1 family whose clinical features included parathyroid, anterior pituitary, and enteropancreatic lesions (Cebri&aacute;n A et al. J. Med. Genet., 2003 May;40:e72). This amino acid position is highly conserved in available vertebrate species. In addition, this alteration is predicted to be deleterious by in silico analysis. Based on the supporting evidence, this alteration is interpreted as a disease-causing mutation.

Literature cited by the submitters: PubMed 10664520 (cited by 3 submitters); PubMed 12166655 (cited by 3 submitters); PubMed 17623761 (cited by 3 submitters); PubMed 12746426 (cited by 3 submitters); PubMed 29239255 (cited by Department of Pathology and Laboratory Medicine, Sinai Health System and Labcorp Genetics (formerly Invitae), Labcorp).

NM_001370259.2(MEN1):c.133G>A (p.Glu45Lys)

Gene: MEN1 (menin 1; minus strand). Cytogenetic location: 11q13.1.
Variant type: single nucleotide variant.
Coding change: c.133G>A on transcript NM_001370259.2 (MANE Select); coding-DNA position 133, G replaced by A.
Protein change: p.Glu45Lys; replaces glutamic acid 45 with lysine.
Molecular consequence: missense variant.
Genome position (GRCh38, 1-based): chr11:64,809,977, C>T on the plus strand (G>A on the coding strand, the complement: MEN1 is on the minus strand). VCF-style: chr11-64809977-C-T. GRCh37 (hg19) VCF-style: chr11-64577449-C-T.
Other names: c.133G>A, p.Glu45Lys (NM_000244.4, NM_001370251.2, NM_001370260.2 and 9 more transcripts); short protein forms E45K.
Identifiers: ClinVar variation 428029 (VCV000428029.16), dbSNP rs1114167491, ClinGen allele CA381187857.